The following is an entry in ClinVar:

NM_001384732.1(CPLANE1):c.2359G>A (p.Val787Ile)

Gene: CPLANE1 (ciliogenesis and planar polarity effector complex subunit 1; minus strand). Cytogenetic location: 5p13.2.
Variant type: single nucleotide variant.
Coding change: c.2359G>A on transcript NM_001384732.1 (MANE Select); coding-DNA position 2359, G replaced by A.
Protein change: p.Val787Ile; replaces valine 787 with isoleucine.
Molecular consequence: missense variant.
Genome position (GRCh38, 1-based): chr5:37,224,673, C>T on the plus strand (G>A on the coding strand, the complement: CPLANE1 is on the minus strand). VCF-style: chr5-37224673-C-T. GRCh37 (hg19) VCF-style: chr5-37224775-C-T.
Other names: c.2359G>A, p.Val787Ile (NM_023073.4); short protein forms V787I.
Identifiers: ClinVar variation 1521698 (VCV001521698.3), dbSNP rs1296784985, ClinGen allele CA359493289.

ClinVar aggregate classification (germline): Uncertain significance (1 of 4 stars; one submission).

Allele frequency attached by ClinVar (database versions not stated): gnomAD exomes 0.00001; TOPMed 0.00003; gnomAD 0.00005 and 0.00006.
gnomAD v4.1: 10 of 1,551,468 alleles (0.00064%); highest among the groups gnomAD compares: Admixed American, 0.02%; no homozygotes.

Submission:

Labcorp Genetics (formerly Invitae), Labcorp
Classification: Uncertain significance. Last evaluated: 2021-11-03. Review status: criteria provided, single submitter. Criteria: Invitae Variant Classification Sherloc (09022015). Collection method: clinical testing. Allele origin: germline.
Comment: This sequence change replaces valine, which is neutral and non-polar, with isoleucine, which is neutral and non-polar, at codon 787 of the CPLANE1 protein (p.Val787Ile). This variant is present in population databases (no rsID available, gnomAD 0.008%). This variant has not been reported in the literature in individuals affected with CPLANE1-related conditions. Advanced modeling of protein sequence and biophysical properties (such as structural, functional, and spatial information, amino acid conservation, physicochemical variation, residue mobility, and thermodynamic stability) performed at Invitae indicates that this missense variant is not expected to disrupt CPLANE1 protein function. In summary, the available evidence is currently insufficient to determine the role of this variant in disease. Therefore, it has been classified as a Variant of Uncertain Significance.